The following is an entry in ClinVar:

NM_033109.5(PNPT1):c.2272A>C (p.Thr758Pro)

Gene: PNPT1 (polyribonucleotide nucleotidyltransferase 1; minus strand). Cytogenetic location: 2p16.1.
Variant type: single nucleotide variant.
Coding change: c.2272A>C on transcript NM_033109.5 (MANE Select); coding-DNA position 2272, A replaced by C.
Protein change: p.Thr758Pro; replaces threonine 758 with proline.
Molecular consequence: missense variant.
Genome position (GRCh38, 1-based): chr2:55,636,317, T>G on the plus strand (A>C on the coding strand, the complement: PNPT1 is on the minus strand). VCF-style: chr2-55636317-T-G. GRCh37 (hg19) VCF-style: chr2-55863452-T-G.
Other names: short protein forms T758P.
Identifiers: ClinVar variation 1995703 (VCV001995703.2), dbSNP rs2529454953, ClinGen allele CA346923248.

ClinVar aggregate classification (germline): Uncertain significance (1 of 4 stars; one submission).

Submission:

Labcorp Genetics (formerly Invitae), Labcorp
Classification: Uncertain significance. Last evaluated: 2022-05-17. Review status: criteria provided, single submitter. Criteria: Invitae Variant Classification Sherloc (09022015). Collection method: clinical testing. Allele origin: germline.
Comment: This sequence change replaces threonine, which is neutral and polar, with proline, which is neutral and non-polar, at codon 758 of the PNPT1 protein (p.Thr758Pro). This variant is not present in population databases (gnomAD no frequency). This variant has not been reported in the literature in individuals affected with PNPT1-related conditions. Advanced modeling of protein sequence and biophysical properties (such as structural, functional, and spatial information, amino acid conservation, physicochemical variation, residue mobility, and thermodynamic stability) performed at Invitae indicates that this missense variant is not expected to disrupt PNPT1 protein function. In summary, the available evidence is currently insufficient to determine the role of this variant in disease. Therefore, it has been classified as a Variant of Uncertain Significance.